The following is an entry in ClinVar:

NM_004999.4(MYO6):c.*4446A>G

Gene: MYO6 (myosin VI; plus strand). Cytogenetic location: 6q14.1.
Variant type: single nucleotide variant.
Coding change: c.*4446A>G on transcript NM_004999.4 (MANE Select); 4446 bases downstream of the stop codon, A replaced by G.
Molecular consequence: 3 prime UTR variant. On other transcripts: non-coding transcript variant (1).
Genome position (GRCh38, 1-based): chr6:75,919,458, A>G. VCF-style: chr6-75919458-A-G. GRCh37 (hg19) VCF-style: chr6-76629175-A-G.
Other names: NC_000006.11:g.76629175A>G; c.*4446A>G (NM_001300899.2, NM_001368136.1, NM_001368137.1 and 3 more transcripts).
Identifiers: ClinVar variation 908252 (VCV000908252.5), dbSNP rs148227849, ClinGen allele CA141064250.

ClinVar aggregate classification (germline): Conflicting classifications of pathogenicity. Review status: criteria provided, conflicting classifications (1 of 4 stars). 2 submissions from 1 submitter: Uncertain significance (1); Benign (1). Last evaluated 2018-01-12.

Conditions:
Autosomal dominant nonsyndromic hearing loss 22. Also called: DFNA 22; Autosomal dominant nonsyndromic deafness 22. Identifiers: Orphanet 228012, MedGen C2931767, MONDO:0011660, OMIM 606346.
Autosomal recessive nonsyndromic hearing loss 37. Identifiers: Orphanet 90636, MedGen C1843028, MONDO:0011912, OMIM 607821.

Allele frequency attached by ClinVar (database versions not stated): gnomAD 0.00029 and 0.00044; TOPMed 0.00051; 1000 Genomes Project 30x 0.00234; 1000 Genomes Project 0.00260.

Submissions (3):

Illumina Laboratory Services, Illumina
Classification: Benign for Autosomal dominant nonsyndromic hearing loss 22. Last evaluated: 2018-01-12. Review status: criteria provided, single submitter. Criteria: ICSL Variant Classification Criteria 13 December 2019. Collection method: clinical testing. Allele origin: germline.
Comment: This variant was observed in the ICSL laboratory as part of a predisposition screen in an ostensibly healthy population. It had not been previously curated by ICSL or reported in the Human Gene Mutation Database (HGMD: prior to June 1st, 2018), and was therefore a candidate for classification through an automated scoring system. Utilizing variant allele frequency, disease prevalence and penetrance estimates, and inheritance mode, an automated score was calculated to assess if this variant is too frequent to cause the disease. Based on the score and internal cut-off values, a variant classified as benign is not then subjected to further curation. The score for this variant resulted in a classification of benign for this disease.

Illumina Laboratory Services, Illumina
Classification: Uncertain significance for Autosomal recessive nonsyndromic hearing loss 37. Last evaluated: 2018-01-12. Review status: criteria provided, single submitter. Criteria: ICSL Variant Classification Criteria 13 December 2019. Collection method: clinical testing. Allele origin: germline.

Dr. Peter K. Rogan Lab, Western University
No classification provided (evidence only). Condition: Cervical cancer. Review status: no classification provided. Collection method: in vitro. Allele origin: not applicable. Functional consequence: retained intron. Not counted in ClinVar's aggregate classification.